The following is an entry in ClinVar:

NM_015559.3(SETBP1):c.1955T>C (p.Val652Ala)

Gene: SETBP1 (SET binding protein 1; plus strand). Cytogenetic location: 18q12.3.
Variant type: single nucleotide variant.
Coding change: c.1955T>C on transcript NM_015559.3 (MANE Select); coding-DNA position 1955, T replaced by C.
Protein change: p.Val652Ala; replaces valine 652 with alanine.
Molecular consequence: missense variant.
Genome position (GRCh38, 1-based): chr18:44,951,295, T>C. VCF-style: chr18-44951295-T-C. GRCh37 (hg19) VCF-style: chr18-42531260-T-C.
Other names: c.1955T>C, p.Val652Ala (NM_001379141.1, NM_001379142.1, NM_001410862.1); short protein forms V652A.
Identifiers: ClinVar variation 2664567 (VCV002664567.5), dbSNP rs2511469930, ClinGen allele CA402320059.

ClinVar aggregate classification (germline): Uncertain significance. Review status: criteria provided, single submitter (1 of 4 stars). 2 submissions from 2 submitters: Uncertain significance (1). 1 of the submissions does not count toward it. Last evaluated 2026-01-09.

Allele frequency attached by ClinVar (database versions not stated): gnomAD exomes below 0.00001.
gnomAD v4.1: 3 of 1,613,500 alleles (0.00019%); highest among the groups gnomAD compares: Middle Eastern, 0.033%; no homozygotes.

Submissions (2):

Labcorp Genetics (formerly Invitae), Labcorp
Classification: Uncertain significance. Last evaluated: 2026-01-09. Review status: criteria provided, single submitter. Criteria: Invitae Variant Classification Sherloc (09022015). Collection method: clinical testing. Allele origin: germline.
Comment: This sequence change replaces valine, which is neutral and non-polar, with alanine, which is neutral and non-polar, at codon 652 of the SETBP1 protein (p.Val652Ala). This variant is not present in population databases (gnomAD no frequency). This missense change has been observed in individuals with clinical features of SETBP1-related conditions (PMID: 39342494; internal data). ClinVar contains an entry for this variant (Variation ID: 2664567). Invitae Evidence Modeling of protein sequence and biophysical properties (such as structural, functional, and spatial information, amino acid conservation, physicochemical variation, residue mobility, and thermodynamic stability) indicates that this missense variant is not expected to disrupt SETBP1 protein function with a negative predictive value of 80%. In summary, the available evidence is currently insufficient to determine the role of this variant in disease. Therefore, it has been classified as a Variant of Uncertain Significance.

Genetics and Genomic Medicine Centre, NeuroGen Healthcare, NeuroGen Healthcare
Classification: Uncertain significance. Last evaluated: 2022-01-01. Review status: no assertion criteria provided. Collection method: clinical testing. Allele origin: unknown. Affected: yes. Not counted in ClinVar's aggregate classification.

Literature cited by the submitters: PubMed 39342494 (cited by Labcorp Genetics (formerly Invitae), Labcorp).